The following is an entry in ClinVar:

NM_003659.4(AGPS):c.261-5A>C

Gene: AGPS (alkylglycerone phosphate synthase; plus strand). Cytogenetic location: 2q31.2.
Variant type: single nucleotide variant.
Coding change: c.261-5A>C on transcript NM_003659.4 (MANE Select); 5 bases into the intron before coding-DNA position 261, A replaced by C.
Molecular consequence: intron variant.
Genome position (GRCh38, 1-based): chr2:177,420,264, A>C. VCF-style: chr2-177420264-A-C. GRCh37 (hg19) VCF-style: chr2-178284992-A-C.
Identifiers: ClinVar variation 157713 (VCV000157713.31), dbSNP rs73029113, ClinGen allele CA171100.

ClinVar aggregate classification (germline): Benign. Review status: criteria provided, multiple submitters, no conflicts (2 of 4 stars). 7 submissions from 7 submitters: Benign (6). 1 of the submissions does not count toward it. Last evaluated 2026-02-04.

Conditions:
Rhizomelic chondrodysplasia punctata (RCDP). Identifiers: Orphanet 177, MedGen C0282529, MONDO:0015776. Disease mechanism: loss of function.
Rhizomelic chondrodysplasia punctata type 3 (RCDP3). Also called: Alkylglycerone Phosphate Synthase (AGPS) deficiency; ALKYLDIHYDROXYACETONEPHOSPHATE SYNTHASE DEFICIENCY. Identifiers: Orphanet 177, Orphanet 309803, MedGen C1838612, MONDO:0010823, OMIM 600121. Disease mechanism: loss of function.

Allele frequency attached by ClinVar (database versions not stated): gnomAD exomes 0.00176 and 0.00447; ExAC 0.00534; gnomAD 0.01702 and 0.01813; 1000 Genomes Project 0.01837; TOPMed 0.01892; ESP Exome Variant Server 0.01939; 1000 Genomes Project 30x 0.01983.
gnomAD v4.1: 5,264 of 1,586,830 alleles (0.33%); highest among the groups gnomAD compares: African/African-American, 5.8%; 140 homozygotes.

Submissions (7):

Labcorp Genetics (formerly Invitae), Labcorp
Classification: Benign. Last evaluated: 2026-02-04. Review status: criteria provided, single submitter. Criteria: Invitae Variant Classification Sherloc (09022015). Collection method: clinical testing. Allele origin: germline.

ARUP Laboratories, Molecular Genetics and Genomics, ARUP Laboratories
Classification: Benign for Rhizomelic chondrodysplasia punctata type 3. Last evaluated: 2025-02-25. Review status: criteria provided, single submitter. Criteria: ARUP Molecular Germline Variant Investigation Process 2024. Collection method: clinical testing. Allele origin: germline.

GeneDx
Classification: Benign. Last evaluated: 2018-05-12. Review status: criteria provided, single submitter. Criteria: GeneDx Variant Classification (06012015). Collection method: clinical testing. Allele origin: germline. Affected: yes.
Comment: This variant is considered likely benign or benign based on one or more of the following criteria: it is a conservative change, it occurs at a poorly conserved position in the protein, it is predicted to be benign by multiple in silico algorithms, and/or has population frequency not consistent with disease.

Illumina Laboratory Services, Illumina
Classification: Benign for Rhizomelic chondrodysplasia punctata type 3. Last evaluated: 2018-01-12. Review status: criteria provided, single submitter. Criteria: ICSL Variant Classification Criteria 13 December 2019. Collection method: clinical testing. Allele origin: germline.
Comment: This variant was observed in the ICSL laboratory as part of a predisposition screen in an ostensibly healthy population. It had not been previously curated by ICSL or reported in the Human Gene Mutation Database (HGMD: prior to June 1st, 2018), and was therefore a candidate for classification through an automated scoring system. Utilizing variant allele frequency, disease prevalence and penetrance estimates, and inheritance mode, an automated score was calculated to assess if this variant is too frequent to cause the disease. Based on the score and internal cut-off values, a variant classified as benign is not then subjected to further curation. The score for this variant resulted in a classification of benign for this disease.

Genetic Services Laboratory, University of Chicago
Classification: Benign. Last evaluated: 2013-08-28. Review status: criteria provided, single submitter. Criteria: ACMG Guidelines, 2007. Collection method: clinical testing. Allele origin: germline. Inheritance: Autosomal recessive inheritance.

Breakthrough Genomics
Classification: Benign. Review status: criteria provided, single submitter. Criteria: ACMG Guidelines, 2015. Collection method: not provided. Allele origin: germline. Inheritance: Autosomal recessive inheritance. Affected: yes.

Natera, Inc.
Classification: Benign for Rhizomelic chondrodysplasia punctata. Last evaluated: 2020-09-16. Review status: no assertion criteria provided. Collection method: clinical testing. Allele origin: germline. Not counted in ClinVar's aggregate classification.